The following is an entry in ClinVar:

ClinVar aggregate classification (germline): Pathogenic (1 of 4 stars; one submission).

Conditions:
Maple syrup urine disease type 2 (MSUD2). Also called: Maple syrup urine disease, type II. Identifiers: MedGen C1855371, MONDO:0023693, OMIM 620699.

Submission:

Myriad Genetics, Inc.
Classification: Pathogenic for Maple syrup urine disease type 2. Last evaluated: 2025-07-21. Review status: criteria provided, single submitter. Criteria: Myriad Autosomal Dominant, Autosomal Recessive and X-Linked Classification Criteria (2023). Collection method: clinical testing. Allele origin: unknown.
Comment: NM_001918.3(DBT):c.279_280delTC(Q94Vfs*2) is expected to be pathogenic in the context of maple syrup urine disease type II. This variant is predicted to lead to an abnormal or absent protein product due to the creation of a premature termination codon in DBT, a gene where loss-of-function variants are known to be pathogenic. Please note: this variant was assessed in the context of healthy population screening.

NM_001918.5(DBT):c.279_280del (p.Gln94fs)

Gene: DBT (dihydrolipoamide branched chain transacylase E2; minus strand). Cytogenetic location: 1p21.2.
Variant type: Microsatellite.
Coding change: c.279_280del on transcript NM_001918.5 (MANE Select); coding-DNA positions 279 to 280, 2 bases deleted (TC; older notation c.279_280delTC).
Protein change: p.Gln94fs; shifts the reading frame from glutamine 94.
Molecular consequence: frameshift variant. On other transcripts: 5 prime UTR variant (2), non-coding transcript variant (3).
Genome position (GRCh38, 1-based): chr1:100,230,886-100,230,887, GA deleted on the plus strand (TC on the coding strand, the reverse complement: DBT is on the minus strand); deleting any 2 consecutive bases within chr1:100,230,886-100,230,889 gives the same sequence; the c. name uses the placement nearest the transcript's 3' end. VCF-style (leftmost placement, unchanged base first): chr1-100230885-TGA-T. GRCh37 (hg19) VCF-style: chr1-100696441-TGA-T.
Other names: c.-267TC[1] (NM_001399969.1, NM_001399972.1); short protein forms Q94fs.
Identifiers: ClinVar variation 5014751 (VCV005014751.1).